The following is an entry in ClinVar:

NM_001613.4(ACTA2):c.225T>A (p.His75Gln)

Gene: ACTA2 (actin alpha 2, smooth muscle; minus strand). Cytogenetic location: 10q23.31.
Variant type: single nucleotide variant.
Coding change: c.225T>A on transcript NM_001613.4 (MANE Select); coding-DNA position 225, T replaced by A.
Protein change: p.His75Gln; replaces histidine 75 with glutamine.
Molecular consequence: missense variant. On other transcripts: intron variant (3).
Genome position (GRCh38, 1-based): chr10:88,947,291, A>T on the plus strand (T>A on the coding strand, the complement: ACTA2 is on the minus strand). VCF-style: chr10-88947291-A-T. GRCh37 (hg19) VCF-style: chr10-90707048-A-T.
Other names: c.225T>A, p.His75Gln (NM_001141945.3, NM_001320855.2, NM_001406462.1 and 4 more transcripts); c.129+1511T>A (NM_001406467.1, NM_001406468.1, NM_001406469.1); short protein forms H75Q.
Identifiers: ClinVar variation 3633441 (VCV003633441.2).

ClinVar aggregate classification (germline): Uncertain significance (1 of 4 stars; one submission).

Conditions:
Aortic aneurysm, familial thoracic 6 (AAT6). Also called: FAMILIAL THORACIC AORTIC ANEURYSM WITH LIVEDO RETICULARIS AND IRIS FLOCCULI. Identifiers: MedGen C2673186, MONDO:0012730, OMIM 611788.

Submission:

Labcorp Genetics (formerly Invitae), Labcorp
Classification: Uncertain significance for Aortic aneurysm, familial thoracic 6. Last evaluated: 2024-04-25. Review status: criteria provided, single submitter. Criteria: Invitae Variant Classification Sherloc (09022015). Collection method: clinical testing. Allele origin: germline.
Comment: This sequence change replaces histidine, which is basic and polar, with glutamine, which is neutral and polar, at codon 75 of the ACTA2 protein (p.His75Gln). This variant is not present in population databases (gnomAD no frequency). This variant has not been reported in the literature in individuals affected with ACTA2-related conditions. Advanced modeling of protein sequence and biophysical properties (such as structural, functional, and spatial information, amino acid conservation, physicochemical variation, residue mobility, and thermodynamic stability) performed at Invitae indicates that this missense variant is not expected to disrupt ACTA2 protein function with a negative predictive value of 80%. In summary, the available evidence is currently insufficient to determine the role of this variant in disease. Therefore, it has been classified as a Variant of Uncertain Significance.